The following is an entry in ClinVar:

NM_001351169.2(NT5C2):c.595C>T (p.Gln199Ter)

Gene: NT5C2 (5'-nucleotidase, cytosolic II; minus strand). Cytogenetic location: 10q24.32.
Variant type: single nucleotide variant.
Coding change: c.595C>T on transcript NM_001351169.2 (MANE Select); coding-DNA position 595, C replaced by T.
Protein change: p.Gln199Ter; replaces glutamine 199 with a stop codon.
Molecular consequence: nonsense. On other transcripts: 5 prime UTR variant (3).
Genome position (GRCh38, 1-based): chr10:103,099,964, G>A on the plus strand (C>T on the coding strand, the complement: NT5C2 is on the minus strand). VCF-style: chr10-103099964-G-A. GRCh37 (hg19) VCF-style: chr10-104859721-G-A.
Other names: c.595C>T, p.Gln199Ter (NM_001134373.3, NM_012229.5); c.619C>T, p.Gln207Ter (NM_001351170.2, NM_001351171.2, NM_001351172.2 and 1 more transcripts); c.22C>T, p.Gln8Ter (NM_001351176.2, NM_001351177.2, NM_001351178.2 and 16 more transcripts); c.508C>T, p.Gln170Ter (NM_001351174.1); c.502C>T, p.Gln168Ter (NM_001351175.2); c.-161C>T (NM_001351194.2, NM_001351195.2, NM_001351196.2); short protein forms Q168*, Q207*, Q170*, Q199*, Q8*.
Identifiers: ClinVar variation 2147372 (VCV002147372.4), dbSNP rs768651632, ClinGen allele CA5671043.

ClinVar aggregate classification (germline): Pathogenic (1 of 4 stars; one submission).

Conditions:
Hereditary spastic paraplegia 45. Also called: Spastic paraplegia 45, autosomal recessive; SPASTIC PARAPLEGIA 45. Identifiers: Orphanet 320396, MedGen C3888209, MONDO:0013165, OMIM 613162.

Allele frequency attached by ClinVar (database versions not stated): gnomAD exomes below 0.00001; TOPMed below 0.00001; ExAC 0.00001; gnomAD 0.00001.
gnomAD v4.1: 6 of 1,612,724 alleles (0.00037%); highest among the groups gnomAD compares: Non-Finnish European, 0.00051%; no homozygotes.

Submission:

Labcorp Genetics (formerly Invitae), Labcorp
Classification: Pathogenic for Hereditary spastic paraplegia 45. Last evaluated: 2022-03-01. Review status: criteria provided, single submitter. Criteria: Invitae Variant Classification Sherloc (09022015). Collection method: clinical testing. Allele origin: germline.
Comment: For these reasons, this variant has been classified as Pathogenic. This variant has not been reported in the literature in individuals affected with NT5C2-related conditions. This variant is present in population databases (rs768651632, gnomAD 0.0009%). This sequence change creates a premature translational stop signal (p.Gln199*) in the NT5C2 gene. It is expected to result in an absent or disrupted protein product. Loss-of-function variants in NT5C2 are known to be pathogenic (PMID: 24482476).

Literature cited by the submitters: PubMed 24482476.